The following is an entry in ClinVar:

ClinVar aggregate classification (germline): Likely benign. Review status: criteria provided, multiple submitters, no conflicts (2 of 4 stars). 3 submissions from 3 submitters: Likely benign (2). 1 of the submissions does not count toward it. Last evaluated 2024-05-29.

Conditions:
AXL-related disorder. Also called: AXL-related condition.

Allele frequency attached by ClinVar (database versions not stated): gnomAD exomes 0.00007 and 0.00016; ExAC 0.00023; TOPMed 0.00056; gnomAD 0.00058 and 0.00065; ESP Exome Variant Server 0.00069; 1000 Genomes Project 30x 0.00094; 1000 Genomes Project 0.00120.
gnomAD v4.1: 199 of 1,612,970 alleles (0.012%); highest among the groups gnomAD compares: African/African-American, 0.23%; no homozygotes.

Submissions (3):

Labcorp Genetics (formerly Invitae), Labcorp
Classification: Likely benign. Last evaluated: 2024-05-29. Review status: criteria provided, single submitter. Criteria: Invitae Variant Classification Sherloc (09022015). Collection method: clinical testing. Allele origin: germline.

Breakthrough Genomics
Classification: Likely benign. Review status: criteria provided, single submitter. Criteria: ACMG Guidelines, 2015. Collection method: not provided. Allele origin: germline. Inheritance: Unknown mechanism. Affected: yes.

PreventionGenetics, part of Exact Sciences
Classification: Likely benign for AXL-related condition. Last evaluated: 2019-08-01. Review status: no assertion criteria provided. Collection method: clinical testing. Allele origin: germline. Not counted in ClinVar's aggregate classification.
Comment: This variant is classified as likely benign based on ACMG/AMP sequence variant interpretation guidelines (Richards et al. 2015 PMID: 25741868, with internal and published modifications).

NM_021913.5(AXL):c.309-7C>T

Gene: AXL (AXL receptor tyrosine kinase; plus strand). Cytogenetic location: 19q13.2.
Variant type: single nucleotide variant.
Coding change: c.309-7C>T on transcript NM_021913.5 (MANE Select); 7 bases into the intron before coding-DNA position 309, C replaced by T.
Molecular consequence: intron variant.
Genome position (GRCh38, 1-based): chr19:41,221,139, C>T. VCF-style: chr19-41221139-C-T. GRCh37 (hg19) VCF-style: chr19-41727044-C-T.
Other names: c.309-7C>T (NM_001699.6).
Identifiers: ClinVar variation 752010 (VCV000752010.9), dbSNP rs116592350, ClinGen allele CA9457908.